The following is an entry in ClinVar:

ClinVar aggregate classification (germline): Uncertain significance (1 of 4 stars; one submission).

Submission:

CeGaT Center for Human Genetics Tuebingen
Classification: Uncertain significance. Last evaluated: 2025-01-01. Review status: criteria provided, single submitter. Criteria: CeGaT Center For Human Genetics Tuebingen Variant Classification Criteria Version 2. Collection method: clinical testing. Allele origin: germline. Affected: yes. Observed: 1 variant allele.
Comment: DMD: PM2, BP4

NM_004006.3(DMD):c.8539G>A (p.Val2847Ile)

Gene: DMD (dystrophin; minus strand). Cytogenetic location: Xp21.2.
Variant type: single nucleotide variant.
Coding change: c.8539G>A on transcript NM_004006.3 (MANE Select); coding-DNA position 8539, G replaced by A.
Protein change: p.Val2847Ile; replaces valine 2847 with isoleucine.
Molecular consequence: missense variant.
Genome position (GRCh38, 1-based): chrX:31,496,796, C>T on the plus strand (G>A on the coding strand, the complement: DMD is on the minus strand). VCF-style: chrX-31496796-C-T. GRCh37 (hg19) VCF-style: chrX-31514913-C-T.
Other names: c.8515G>A, p.Val2839Ile (NM_000109.4); c.8527G>A, p.Val2843Ile (NM_004009.3); c.8170G>A, p.Val2724Ile (NM_004010.3); c.4516G>A, p.Val1506Ile (NM_004011.4); c.4507G>A, p.Val1503Ile (NM_004012.4); c.1159G>A, p.Val387Ile (NM_004013.3, NM_004020.4, NM_004021.3 and 2 more transcripts); c.352G>A, p.Val118Ile (NM_004014.3); short protein forms V118I, V1503I, V1506I, V2724I, V2839I, V2843I, V2847I, V387I.
Identifiers: ClinVar variation 3770942 (VCV003770942.13).